The following is an entry in ClinVar:

NM_001128178.3(NPHP1):c.1371G>T (p.Leu457Phe)

Gene: NPHP1 (nephrocystin 1; minus strand). Cytogenetic location: 2q13.
Variant type: single nucleotide variant.
Coding change: c.1371G>T on transcript NM_001128178.3 (MANE Select); coding-DNA position 1371, G replaced by T.
Protein change: p.Leu457Phe; replaces leucine 457 with phenylalanine.
Molecular consequence: missense variant.
Genome position (GRCh38, 1-based): chr2:110,144,551, C>A on the plus strand (G>T on the coding strand, the complement: NPHP1 is on the minus strand). VCF-style: chr2-110144551-C-A. GRCh37 (hg19) VCF-style: chr2-110902128-C-A.
Other names: c.1539G>T, p.Leu513Phe (NM_000272.5); c.1182G>T, p.Leu394Phe (NM_001128179.3); c.1368G>T, p.Leu456Phe (NM_001374256.1); c.1371G>T, p.Leu457Phe (NM_001374257.1); c.1536G>T, p.Leu512Phe (NM_207181.4); short protein forms L457F, L512F, L394F, L456F, L513F.
Identifiers: ClinVar variation 1489089 (VCV001489089.8), dbSNP rs2104483940, ClinGen allele CA348087542.
Genomic context (GRCh38, chr2:110,144,551, plus strand): 5'-ACCTCTTCTGGATATTGAAGGGTCCACTTCAATACCTTTTTCATAAGGAGTACCACCATT[C>A]AAGAAAAGCTCATAAGTTCTATAAAAGAATAACATACAATGACAGATATAAGCTGTGGGC-3'
Protein context (NP_001121650.1, residues 447-467): PIPAKTYELF[Leu457Phe]NGGTPYEKGI

ClinVar aggregate classification (germline): Uncertain significance (1 of 4 stars; one submission).

Conditions:
Nephronophthisis. Also called: Juvenile Nephronophthisis. Identifiers: Orphanet 655, MedGen C0687120, MONDO:0019005, HP:0000090.

Submission:

Labcorp Genetics (formerly Invitae), Labcorp
Classification: Uncertain significance for Nephronophthisis. Last evaluated: 2021-05-05. Review status: criteria provided, single submitter. Criteria: Invitae Variant Classification Sherloc (09022015). Collection method: clinical testing. Allele origin: germline.
Comment: This sequence change replaces leucine with phenylalanine at codon 513 of the NPHP1 protein (p.Leu513Phe). The leucine residue is highly conserved and there is a small physicochemical difference between leucine and phenylalanine. This variant is not present in population databases (ExAC no frequency). This variant has not been reported in the literature in individuals with NPHP1-related conditions. Algorithms developed to predict the effect of missense changes on protein structure and function are either unavailable or do not agree on the potential impact of this missense change (SIFT: "Deleterious"; PolyPhen-2: "Probably Damaging"; Align-GVGD: "Class C0"). In summary, the available evidence is currently insufficient to determine the role of this variant in disease. Therefore, it has been classified as a Variant of Uncertain Significance.